The following is an entry in ClinVar:

ClinVar aggregate classification (germline): Uncertain significance (1 of 4 stars; one submission).

Conditions:
Tay-Sachs disease (TSD). Also called: HEXA DEFICIENCY; GM2 gangliosidosis, type 1; HEXA Disorders; Hexosaminidase alpha-subunit deficiency (variant B); Sphingolipidosis, Tay-Sachs; Hexosaminidase A Deficiency. Identifiers: Orphanet 845, MedGen C0039373, MONDO:0010100, OMIM 272800.

Submission:

Labcorp Genetics (formerly Invitae), Labcorp
Classification: Uncertain significance for Tay-Sachs disease. Last evaluated: 2022-01-16. Review status: criteria provided, single submitter. Criteria: Invitae Variant Classification Sherloc (09022015). Collection method: clinical testing. Allele origin: germline.
Comment: This variant is not present in population databases (gnomAD no frequency). This sequence change replaces phenylalanine, which is neutral and non-polar, with leucine, which is neutral and non-polar, at codon 305 of the HEXA protein (p.Phe305Leu). This variant has not been reported in the literature in individuals affected with HEXA-related conditions. In summary, the available evidence is currently insufficient to determine the role of this variant in disease. Therefore, it has been classified as a Variant of Uncertain Significance. Algorithms developed to predict the effect of missense changes on protein structure and function are either unavailable or do not agree on the potential impact of this missense change (SIFT: "Tolerated"; PolyPhen-2: "Possibly Damaging"; Align-GVGD: "Class C0").

NM_000520.6(HEXA):c.913T>C (p.Phe305Leu)

Gene: HEXA (hexosaminidase subunit alpha; minus strand). Cytogenetic location: 15q23.
Variant type: single nucleotide variant.
Coding change: c.913T>C on transcript NM_000520.6 (MANE Select); coding-DNA position 913, T replaced by C.
Protein change: p.Phe305Leu; replaces phenylalanine 305 with leucine.
Molecular consequence: missense variant. On other transcripts: non-coding transcript variant (1).
Genome position (GRCh38, 1-based): chr15:72,349,152, A>G on the plus strand (T>C on the coding strand, the complement: HEXA is on the minus strand). VCF-style: chr15-72349152-A-G. GRCh37 (hg19) VCF-style: chr15-72641493-A-G.
Other names: c.946T>C, p.Phe316Leu (NM_001318825.2); short protein forms F305L, F316L.
Identifiers: ClinVar variation 2086529 (VCV002086529.4), dbSNP rs2542522752, ClinGen allele CA393062398.